The following is an entry in ClinVar:

NM_016562.4(TLR7):c.1399A>G (p.Arg467Gly)

Gene: TLR7 (toll like receptor 7; plus strand). Cytogenetic location: Xp22.2.
Variant type: single nucleotide variant.
Coding change: c.1399A>G on transcript NM_016562.4 (MANE Select); coding-DNA position 1399, A replaced by G.
Protein change: p.Arg467Gly; replaces arginine 467 with glycine.
Molecular consequence: missense variant.
Genome position (GRCh38, 1-based): chrX:12,886,907, A>G. VCF-style: chrX-12886907-A-G. GRCh37 (hg19) VCF-style: chrX-12905026-A-G.
Other names: short protein forms R467G.
Identifiers: ClinVar variation 4805695 (VCV004805695.1).

ClinVar aggregate classification (germline): Uncertain significance (1 of 4 stars; one submission).

gnomAD v4.1: 2 of 1,207,513 alleles (0.00017%); no homozygotes.

Submission:

Labcorp Genetics (formerly Invitae), Labcorp
Classification: Uncertain significance. Last evaluated: 2025-08-01. Review status: criteria provided, single submitter. Criteria: Invitae Variant Classification Sherloc (09022015). Collection method: clinical testing. Allele origin: germline.
Comment: This sequence change replaces arginine, which is basic and polar, with glycine, which is neutral and non-polar, at codon 467 of the TLR7 protein (p.Arg467Gly). This variant is present in population databases (rs756477203, gnomAD no frequency). This variant has not been reported in the literature in individuals affected with TLR7-related conditions. An algorithm developed to predict the effect of missense changes on protein structure and function (PolyPhen-2) suggests that this variant is likely to be tolerated. In summary, the available evidence is currently insufficient to determine the role of this variant in disease. Therefore, it has been classified as a Variant of Uncertain Significance.